The following is an entry in ClinVar:

NM_001038.6(SCNN1A):c.1481C>T (p.Pro494Leu)

Gene: SCNN1A (sodium channel epithelial 1 subunit alpha; minus strand). Cytogenetic location: 12p13.31.
Variant type: single nucleotide variant.
Coding change: c.1481C>T on transcript NM_001038.6 (MANE Select); coding-DNA position 1481, C replaced by T.
Protein change: p.Pro494Leu; replaces proline 494 with leucine.
Molecular consequence: missense variant.
Genome position (GRCh38, 1-based): chr12:6,349,180, G>A on the plus strand (C>T on the coding strand, the complement: SCNN1A is on the minus strand). VCF-style: chr12-6349180-G-A. GRCh37 (hg19) VCF-style: chr12-6458346-G-A.
Other names: c.1550C>T, p.Pro517Leu (NM_001159575.2); c.1658C>T, p.Pro553Leu (NM_001159576.2); short protein forms P494L, P517L, P553L.
Identifiers: ClinVar variation 2627499 (VCV002627499.4), dbSNP rs757598099, ClinGen allele CA6405835.

ClinVar aggregate classification (germline): Uncertain significance. Review status: criteria provided, multiple submitters, no conflicts (2 of 4 stars). 2 submissions from 2 submitters: Uncertain significance (2). Last evaluated 2022-12-01.

Conditions:
Pseudohypoaldosteronism, type IB1, autosomal recessive. Also called: Pseudohypoaldosteronism, Type I, Autosomal Recessive; PHA I, AUTOSOMAL RECESSIVE; Autosomal recessive pseudohypoaldosteronism type 1; Pseudohypoaldosteronism, Type I, Recessive. Identifiers: Orphanet 171876, Orphanet 756, MedGen C5774176, MONDO:0009917, OMIM 264350.

Allele frequency attached by ClinVar (database versions not stated): ExAC 0.00001; TOPMed 0.00002; gnomAD 0.00003; gnomAD exomes 0.00003.
gnomAD v4.1: 50 of 1,614,058 alleles (0.0031%); highest among the groups gnomAD compares: Middle Eastern, 0.75%; 1 homozygote.

Submissions (2):

Labcorp Genetics (formerly Invitae), Labcorp
Classification: Uncertain significance. Last evaluated: 2022-12-01. Review status: criteria provided, single submitter. Criteria: Invitae Variant Classification Sherloc (09022015). Collection method: clinical testing. Allele origin: germline.
Comment: In summary, the available evidence is currently insufficient to determine the role of this variant in disease. Therefore, it has been classified as a Variant of Uncertain Significance. Advanced modeling of protein sequence and biophysical properties (such as structural, functional, and spatial information, amino acid conservation, physicochemical variation, residue mobility, and thermodynamic stability) has been performed at Invitae for this missense variant, however the output from this modeling did not meet the statistical confidence thresholds required to predict the impact of this variant on SCNN1A protein function. This variant has not been reported in the literature in individuals affected with SCNN1A-related conditions. This variant is present in population databases (rs757598099, gnomAD no frequency). This sequence change replaces proline, which is neutral and non-polar, with leucine, which is neutral and non-polar, at codon 494 of the SCNN1A protein (p.Pro494Leu).

Neuberg Centre For Genomic Medicine, NCGM
Classification: Uncertain significance for Pseudohypoaldosteronism, type IB1, autosomal recessive. Review status: criteria provided, single submitter. Criteria: ACMG Guidelines, 2015. Collection method: clinical testing. Allele origin: germline. Inheritance: Autosomal recessive inheritance. Affected: yes.
Comment: The missense variant p.P494L in SCNN1A (NM_001038.6) has not been reported previously as a pathogenic variant nor as a benign variant, to our knowledge. The p.P494L variant is observed in 1/2,51,466 (0.0004%) alleles from individuals of All background in gnomAD Exomes and is novel (not in any individuals) in 1000 Genomes. There is a moderate physicochemical difference between proline and leucine. The p.P494L missense variant is predicted to be damaging by both SIFT and PolyPhen2. The proline residue at codon 494 of SCNN1A is conserved in all mammalian species. The nucleotide c.1481 in SCNN1A is predicted conserved by GERP++ and PhyloP across 100 vertebrates. For these reasons, this variant has been classified as Uncertain Significance.